The following is an entry in ClinVar:

NM_000059.4(BRCA2):c.1909+243C>T

Gene: BRCA2 (BRCA2 DNA repair associated; plus strand). Cytogenetic location: 13q13.1.
Variant type: single nucleotide variant.
Coding change: c.1909+243C>T on transcript NM_000059.4 (MANE Select); 243 bases into the intron after coding-DNA position 1909, C replaced by T.
Molecular consequence: intron variant.
Genome position (GRCh38, 1-based): chr13:32,333,630, C>T. VCF-style: chr13-32333630-C-T. GRCh37 (hg19) VCF-style: chr13-32907767-C-T.
Other names: IVS 10+243C>T.
Identifiers: ClinVar variation 209675 (VCV000209675.3), dbSNP rs11571643, ClinGen allele CA276644.

ClinVar aggregate classification (germline): Benign. Review status: reviewed by expert panel (3 of 4 stars). 2 submissions from 2 submitters: Benign (1). 1 of the submissions does not count toward it. Last evaluated 2015-01-12.

Conditions:
Breast-ovarian cancer, familial, susceptibility to, 2 (BROVCA2). Also called: BRCA2 Hereditary Breast and Ovarian Cancer. Identifiers: Orphanet 145, MedGen C2675520, MONDO:0012933, OMIM 612555. Disease mechanism: loss of function.

Allele frequency attached by ClinVar (database versions not stated): 1000 Genomes Project 30x 0.07370; gnomAD 0.03698 and 0.04099; TOPMed 0.04229; 1000 Genomes Project 0.07368.
gnomAD v4.1: 6,235 of 152,052 alleles (4.1%); highest among the groups gnomAD compares: South Asian, 11%; 220 homozygotes.

Submissions (2):

Evidence-based Network for the Interpretation of Germline Mutant Alleles (ENIGMA)
Classification: Benign for Breast-ovarian cancer, familial 2. Last evaluated: 2015-01-12. Review status: reviewed by expert panel. Criteria: ENIGMA BRCA1/2 Classification Criteria (2015). Collection method: curation. Allele origin: germline.
Comment: Class 1 not pathogenic based on frequency >1% in an outbred sampleset. Frequency 0.1031 (Asian), 0.01423 (African), 0.03694 (European), derived from 1000 genomes (2012-04-30).

GeneDx
Classification: Likely benign. Last evaluated: 2018-07-09. Review status: criteria provided, single submitter. Criteria: GeneDx Variant Classification Process June 2021. Collection method: clinical testing. Allele origin: germline. Affected: yes. Not counted in ClinVar's aggregate classification.